The following is an entry in ClinVar:

ClinVar aggregate classification (germline): Uncertain significance (1 of 4 stars; one submission).

Allele frequency attached by ClinVar (database versions not stated): ExAC 0.00003; gnomAD 0.00006; 1000 Genomes Project 0.00020; 1000 Genomes Project 30x 0.00031.
gnomAD v4.1: 65 of 1,577,620 alleles (0.0041%); highest among the groups gnomAD compares: Non-Finnish European, 0.005%; no homozygotes.

Submission:

GeneDx
Classification: Uncertain significance. Last evaluated: 2022-12-05. Review status: criteria provided, single submitter. Criteria: GeneDx Variant Classification Process June 2021. Collection method: clinical testing. Allele origin: germline. Affected: yes.
Comment: In silico analysis supports that this missense variant does not alter protein structure/function; Has not been previously published as pathogenic or benign to our knowledge

NM_001009944.3(PKD1):c.3595G>A (p.Gly1199Ser)

Gene: PKD1 (polycystin 1, transient receptor potential channel interacting; minus strand). Cytogenetic location: 16p13.3.
Variant type: single nucleotide variant.
Coding change: c.3595G>A on transcript NM_001009944.3 (MANE Select); coding-DNA position 3595, G replaced by A.
Protein change: p.Gly1199Ser; replaces glycine 1199 with serine.
Molecular consequence: missense variant.
Genome position (GRCh38, 1-based): chr16:2,111,572, C>T on the plus strand (G>A on the coding strand, the complement: PKD1 is on the minus strand). VCF-style: chr16-2111572-C-T. GRCh37 (hg19) VCF-style: chr16-2161573-C-T.
Other names: c.3595G>A, p.Gly1199Ser (NM_000296.4); short protein forms G1199S.
Identifiers: ClinVar variation 2505018 (VCV002505018.1), dbSNP rs550230113, ClinGen allele CA7832714.